The following is an entry in ClinVar:

ClinVar aggregate classification (germline): Uncertain significance. Review status: criteria provided, multiple submitters, no conflicts (2 of 4 stars). 2 submissions from 2 submitters: Uncertain significance (2). Last evaluated 2026-04-01.

Conditions:
ABCA4-related disorder. Also called: ABCA4-related disorders; ABCA4-related condition. Identifiers: MedGen CN239167.

Allele frequency attached by ClinVar (database versions not stated): gnomAD exomes 0.00001; TOPMed 0.00001; gnomAD 0.00003.
gnomAD v4.1: 16 of 1,605,414 alleles (0.001%); highest among the groups gnomAD compares: Non-Finnish European, 0.0014%; no homozygotes.

Submissions (2):

PreventionGenetics, part of Exact Sciences
Classification: Uncertain significance for ABCA4-related condition. Last evaluated: 2026-04-01. Review status: criteria provided, single submitter. Criteria: ACMG Guidelines, 2015. Collection method: clinical testing. Allele origin: germline.
Comment: The ABCA4 c.4471A>G variant is predicted to result in the amino acid substitution p.Ser1491Gly. To our knowledge, this variant has not been reported in the literature. This variant is reported in 0.0065% of alleles in individuals of European (Non-Finnish) descent in gnomAD. At this time, the clinical significance of this variant is uncertain due to the absence of conclusive functional and genetic evidence.

Labcorp Genetics (formerly Invitae), Labcorp
Classification: Uncertain significance. Last evaluated: 2024-10-22. Review status: criteria provided, single submitter. Criteria: Invitae Variant Classification Sherloc (09022015). Collection method: clinical testing. Allele origin: germline.
Comment: This sequence change replaces serine, which is neutral and polar, with glycine, which is neutral and non-polar, at codon 1491 of the ABCA4 protein (p.Ser1491Gly). This variant is present in population databases (no rsID available, gnomAD 0.007%). This variant has not been reported in the literature in individuals affected with ABCA4-related conditions. ClinVar contains an entry for this variant (Variation ID: 1438974). Invitae Evidence Modeling of protein sequence and biophysical properties (such as structural, functional, and spatial information, amino acid conservation, physicochemical variation, residue mobility, and thermodynamic stability) indicates that this missense variant is expected to disrupt ABCA4 protein function with a positive predictive value of 80%. Algorithms developed to predict the effect of sequence changes on RNA splicing suggest that this variant may create or strengthen a splice site. In summary, the available evidence is currently insufficient to determine the role of this variant in disease. Therefore, it has been classified as a Variant of Uncertain Significance.

NM_000350.3(ABCA4):c.4471A>G (p.Ser1491Gly)

Gene: ABCA4 (ATP binding cassette subfamily A member 4; minus strand). Cytogenetic location: 1p22.1.
Variant type: single nucleotide variant.
Coding change: c.4471A>G on transcript NM_000350.3 (MANE Select); coding-DNA position 4471, A replaced by G.
Protein change: p.Ser1491Gly; replaces serine 1491 with glycine.
Molecular consequence: missense variant.
Genome position (GRCh38, 1-based): chr1:94,029,513, T>C on the plus strand (A>G on the coding strand, the complement: ABCA4 is on the minus strand). VCF-style: chr1-94029513-T-C. GRCh37 (hg19) VCF-style: chr1-94495069-T-C.
Other names: c.4249A>G, p.Ser1417Gly (NM_001425324.1); c.4471A>G (NM_000350.2); short protein forms S1491G, S1417G.
Identifiers: ClinVar variation 1438974 (VCV001438974.7), dbSNP rs1157937249, ClinGen allele CA341284932.